The following is an entry in ClinVar:

ClinVar aggregate classification (germline): Conflicting classifications of pathogenicity. Review status: criteria provided, conflicting classifications (1 of 4 stars). 2 submissions from 2 submitters: Likely pathogenic (1); Uncertain significance (1). Last evaluated 2025-10-12.

Conditions:
Hereditary hemorrhagic telangiectasia (HHT). Also called: ORW DISEASE; Osler Weber Rendu syndrome; OSLER-RENDU-WEBER DISEASE; Osler hemorrhagic telangiectasia syndrome. Identifiers: Orphanet 774, MedGen C0039445, MONDO:0019180. Disease mechanism: loss of function.
Telangiectasia, hereditary hemorrhagic, type 1 (HHT1). Also called: Osler Weber Rendu syndrome type 1; ENG-Related Hereditary Hemorrhagic Telangiectasia. Identifiers: Orphanet 774, MedGen C4551861, MONDO:0008535, OMIM 187300. Disease mechanism: loss of function.

Submissions (2):

Labcorp Genetics (formerly Invitae), Labcorp
Classification: Likely pathogenic for Hereditary hemorrhagic telangiectasia. Last evaluated: 2025-10-12. Review status: criteria provided, single submitter. Criteria: Invitae Variant Classification Sherloc (09022015). Collection method: clinical testing. Allele origin: germline.
Comment: This sequence change replaces glutamine, which is neutral and polar, with leucine, which is neutral and non-polar, at codon 476 of the ENG protein (p.Gln476Leu). This variant is not present in population databases (gnomAD no frequency). This missense change has been observed in individuals with clinical features of hereditary hemorrhagic telangiectasia (PMID: 20414677; internal data). ClinVar contains an entry for this variant (Variation ID: 1450035). An algorithm developed to predict the effect of missense changes on protein structure and function (PolyPhen-2) suggests that this variant is likely to be disruptive. Algorithms developed to predict the effect of sequence changes on RNA splicing suggest that this variant may disrupt the consensus splice site. In summary, the currently available evidence indicates that the variant is pathogenic, but additional data are needed to prove that conclusively. Therefore, this variant has been classified as Likely Pathogenic.

Impact Genetics, Dynacare/LabCorp
Classification: Uncertain significance for Telangiectasia, hereditary hemorrhagic, type 1. Last evaluated: 2023-07-18. Review status: criteria provided, single submitter. Criteria: DeMille et al. (Hum Mutat. 2024). Collection method: clinical testing. Allele origin: germline.
Comment: PM2_supportive, PP3

Literature cited by the submitters: PubMed 20414677 (cited by Labcorp Genetics (formerly Invitae), Labcorp and Impact Genetics, Dynacare/LabCorp).

NM_001114753.3(ENG):c.1427A>T (p.Gln476Leu)

Genes: ENG (endoglin; minus strand), LOC102723566 (uncharacterized LOC102723566; plus strand). Cytogenetic location: 9q34.11.
Variant type: single nucleotide variant.
Coding change: c.1427A>T on transcript NM_001114753.3 (MANE Select); coding-DNA position 1427, A replaced by T.
Protein change: p.Gln476Leu; replaces glutamine 476 with leucine.
Molecular consequence: missense variant.
Genome position (GRCh38, 1-based): chr9:127,818,717, T>A on the plus strand (A>T on the coding strand, the complement: ENG is on the minus strand). VCF-style: chr9-127818717-T-A. GRCh37 (hg19) VCF-style: chr9-130580996-T-A.
Other names: c.1427A>T, p.Gln476Leu (NM_000118.4); c.881A>T, p.Gln294Leu (NM_001278138.2); short protein forms Q294L, Q476L.
Identifiers: ClinVar variation 1450035 (VCV001450035.10), dbSNP rs1830394955, ClinGen allele CA374976498.
Genomic context (GRCh38, chr9:127,818,717, plus strand): 5'-AGGCGGAGAGGAAGTTCCAGGAGCTGGGAGGCCCGAGGGGTGACAGGCATGCCAGGTACC[T>A]GCACAAAGCTCTGCTGCCCCGGCTCGATGGTGTTGGAGGCCTGGAGGAAGTGTGGGCTGA-3'
Protein context (NP_001108225.1, residues 466-486): TIEPGQQSFV[Gln476Leu]VRVSPSVSEF